The following is an entry in ClinVar:

ClinVar aggregate classification (germline): Likely pathogenic (1 of 4 stars; one submission).

Conditions:
Hereditary cancer-predisposing syndrome. Also called: Hereditary neoplastic syndrome; Neoplastic Syndromes, Hereditary; Tumor predisposition; Hereditary Cancer Syndrome. Identifiers: Orphanet 140162, MedGen C0027672, MeSH D009386, MONDO:0015356.

Submission:

Ambry Genetics
Classification: Likely pathogenic for Hereditary cancer-predisposing syndrome. Last evaluated: 2022-10-24. Review status: criteria provided, single submitter. Criteria: Ambry General Variant Classification Scheme_2022. Collection method: clinical testing. Allele origin: germline. Observed: 1 variant allele.
Comment: The c.586_591delCAGTGG variant (also known as p.Q196_W197del) is located in coding exon 4 of the PTCH1 gene. This variant results from an in-frame CAGTGG deletion at nucleotide positions 586 to 591. This results in the in-frame deletion of two amino acids at codons 196 and 197. This alteration has been observed in at least one individual with a personal and/or family history that is consistent with PTCH1-related disease (Ambry internal data). These amino acids are well conserved in available vertebrate species, and the impacted region is critical for protein function (Ambry internal data). In addition, this alteration is predicted to be deleterious by in silico analysis (Choi Y et al. PLoS ONE. 2012; 7(10):e46688). Based on the majority of available evidence to date, this variant is likely to be pathogenic.

NM_000264.3(PTCH1):c.586_591delCAGTGG

Gene: PTCH1 (patched 1; minus strand). Cytogenetic location: 9q22.32.
Variant type: Deletion.
Coding change: c.586_591delCAGTGG on transcript NM_000264.3; coding-DNA positions 586 to 591, 6 bases deleted (CAGTGG).
Genome position (GRCh38, 1-based): chr9:95,482,197-95,482,202, CCACTG deleted on the plus strand (CAGTGG on the coding strand, the reverse complement: PTCH1 is on the minus strand); deleting any 6 consecutive bases within chr9:95,482,197-95,482,204 gives the same sequence; the c. name uses the placement nearest the transcript's 3' end. VCF-style (leftmost placement, unchanged base first): chr9-95482196-TCCACTG-T. GRCh37 (hg19) VCF-style: chr9-98244478-TCCACTG-T.
Identifiers: ClinVar variation 1750140 (VCV001750140.1), dbSNP rs2538247942, ClinGen allele CA2580080914.